The following is an entry in ClinVar:

NM_004260.4(RECQL4):c.1589T>G (p.Val530Gly)

Gene: RECQL4 (RecQ like helicase 4; minus strand). Cytogenetic location: 8q24.3.
Variant type: single nucleotide variant.
Coding change: c.1589T>G on transcript NM_004260.4 (MANE Select); coding-DNA position 1589, T replaced by G.
Protein change: p.Val530Gly; replaces valine 530 with glycine.
Molecular consequence: missense variant. On other transcripts: non-coding transcript variant (3).
Genome position (GRCh38, 1-based): chr8:144,514,967, A>C on the plus strand (T>G on the coding strand, the complement: RECQL4 is on the minus strand). VCF-style: chr8-144514967-A-C. GRCh37 (hg19) VCF-style: chr8-145740351-A-C.
Other names: c.1493T>G, p.Val498Gly (NM_001413017.1, NM_001413020.1); c.1589T>G, p.Val530Gly (NM_001413018.1, NM_001413019.1, NM_001413033.1 and 1 more transcripts); c.518T>G, p.Val173Gly (NM_001413021.1, NM_001413022.1, NM_001413023.1 and 7 more transcripts); c.1460T>G, p.Val487Gly (NM_001413025.1); c.452T>G, p.Val151Gly (NM_001413027.1, NM_001413030.1, NM_001413031.1 and 2 more transcripts); c.1238T>G, p.Val413Gly (NM_001413029.1); c.1559T>G, p.Val520Gly (NM_001413039.1); c.488T>G, p.Val163Gly (NM_001413042.1); and 1 more; short protein forms V413G, V151G, V163G, V487G, V173G, V41G, V498G, V520G.
Identifiers: ClinVar variation 3788063 (VCV003788063.1).
Genomic context (GRCh38, chr8:144,514,967, plus strand): 5'-TACGTGTGCCCAGGGCCCTGTGTGCACACCTGGTCATCCATGAGTGACAGCAGGGGAGAG[A>C]CGACCAACGTGAGGCAGGGGCTGCGCCGGCTGTAGAGCAGCGCTGGGAGCTGGTAGCACA-3'
Protein context (NP_004251.4, residues 520-540): SRRSPCLTLV[Val530Gly]SPLLSLMDDQ

ClinVar aggregate classification (germline): Uncertain significance (1 of 4 stars; one submission).

Conditions:
Inborn genetic diseases. Identifiers: MedGen C0950123, MeSH D030342.

Submission:

Ambry Genetics
Classification: Uncertain significance for Inborn genetic diseases. Last evaluated: 2025-02-28. Review status: criteria provided, single submitter. Criteria: Ambry Variant Classification Scheme 2023. Collection method: clinical testing. Allele origin: germline.
Comment: The p.V530G variant (also known as c.1589T>G), located in coding exon 9 of the RECQL4 gene, results from a T to G substitution at nucleotide position 1589. The valine at codon 530 is replaced by glycine, an amino acid with dissimilar properties. This amino acid position is conserved. In addition, this alteration is predicted to be deleterious by in silico analysis. Based on the available evidence, the clinical significance of this variant remains unclear.